The following is an entry in ClinVar:

NM_020937.4(FANCM):c.4972G>C (p.Ala1658Pro)

Gene: FANCM (FA complementation group M; plus strand). Cytogenetic location: 14q21.2.
Variant type: single nucleotide variant.
Coding change: c.4972G>C on transcript NM_020937.4 (MANE Select); coding-DNA position 4972, G replaced by C.
Protein change: p.Ala1658Pro; replaces alanine 1658 with proline.
Molecular consequence: missense variant.
Genome position (GRCh38, 1-based): chr14:45,188,994, G>C. VCF-style: chr14-45188994-G-C. GRCh37 (hg19) VCF-style: chr14-45658197-G-C.
Other names: c.4894G>C, p.Ala1632Pro (NM_001308133.2); short protein forms A1632P, A1658P.
Identifiers: ClinVar variation 1015346 (VCV001015346.9), dbSNP rs1889586772, ClinGen allele CA389611801.

ClinVar aggregate classification (germline): Uncertain significance (1 of 4 stars; one submission).

Conditions:
Fanconi anemia (FA). Also called: Fanconi's anemia. Identifiers: Orphanet 84, MedGen C0015625, MeSH D005199, MONDO:0019391.

Submission:

Labcorp Genetics (formerly Invitae), Labcorp
Classification: Uncertain significance for Fanconi anemia. Last evaluated: 2020-02-20. Review status: criteria provided, single submitter. Criteria: Invitae Variant Classification Sherloc (09022015). Collection method: clinical testing. Allele origin: germline.
Comment: In summary, the available evidence is currently insufficient to determine the role of this variant in disease. Therefore, it has been classified as a Variant of Uncertain Significance. Algorithms developed to predict the effect of missense changes on protein structure and function output the following: SIFT: "Tolerated"; PolyPhen-2: "Benign"; Align-GVGD: "Class C0". The proline amino acid residue is found in multiple mammalian species, suggesting that this missense change does not adversely affect protein function. These predictions have not been confirmed by published functional studies and their clinical significance is uncertain. This variant has not been reported in the literature in individuals with FANCM-related conditions. This variant is not present in population databases (ExAC no frequency). This sequence change replaces alanine with proline at codon 1658 of the FANCM protein (p.Ala1658Pro). The alanine residue is weakly conserved and there is a small physicochemical difference between alanine and proline.